The following is an entry in ClinVar:

NM_001003800.2(BICD2):c.*13G>A

Gene: BICD2 (BICD cargo adaptor 2; minus strand). Cytogenetic location: 9q22.31.
Variant type: single nucleotide variant.
Coding change: c.*13G>A on transcript NM_001003800.2 (MANE Select); 13 bases downstream of the stop codon, G replaced by A.
Molecular consequence: 3 prime UTR variant. On other transcripts: intron variant (1).
Genome position (GRCh38, 1-based): chr9:92,715,141, C>T on the plus strand (G>A on the coding strand, the complement: BICD2 is on the minus strand). VCF-style: chr9-92715141-C-T. GRCh37 (hg19) VCF-style: chr9-95477423-C-T.
Other names: c.2469+112G>A (NM_015250.4).
Identifiers: ClinVar variation 4887320 (VCV004887320.1).

ClinVar aggregate classification (germline): Benign (1 of 4 stars; one submission).

gnomAD v4.1: 39 of 1,556,634 alleles (0.0025%); highest among the groups gnomAD compares: Admixed American, 0.031%; no homozygotes.

Submission:

Women's Health and Genetics/Laboratory Corporation of America, LabCorp
Classification: Benign. Last evaluated: 2026-06-11. Review status: criteria provided, single submitter. Criteria: LabCorp Variant Classification Summary - May 2015. Collection method: clinical testing. Allele origin: germline.
Comment: Variant summary: BICD2 c.*13G>A is located in the untranslated mRNA region downstream of the termination codon. The variant allele was found at a frequency of 7.4e-05 in 216156 control chromosomes. The observed variant frequency exceeds the estimated maximal expected allele frequency for disease-causing variants in BICD2. To our knowledge, no occurrence of c.*13G>A in individuals affected with BICD2-related conditions and no experimental evidence demonstrating its impact on protein function have been reported. No submitters have cited clinical-significance assessments for this variant to ClinVar. Based on the evidence outlined above, the variant was classified as benign.